The following is an entry in ClinVar:

ClinVar aggregate classification (germline): Likely pathogenic (1 of 4 stars; one submission).

Submission:

Labcorp Genetics (formerly Invitae), Labcorp
Classification: Likely pathogenic. Last evaluated: 2023-10-22. Review status: criteria provided, single submitter. Criteria: Invitae Variant Classification Sherloc (09022015). Collection method: clinical testing. Allele origin: germline.
Comment: This sequence change affects an acceptor splice site in intron 37 of the TTC37 gene. It is expected to disrupt RNA splicing. Variants that disrupt the donor or acceptor splice site typically lead to a loss of protein function (PMID: 16199547), and loss-of-function variants in TTC37 are known to be pathogenic (PMID: 20176027, 21120949). This variant is not present in population databases (gnomAD no frequency). This variant has not been reported in the literature in individuals affected with TTC37-related conditions. Algorithms developed to predict the effect of sequence changes on RNA splicing suggest that this variant may disrupt the consensus splice site. In summary, the currently available evidence indicates that the variant is pathogenic, but additional data are needed to prove that conclusively. Therefore, this variant has been classified as Likely Pathogenic.

Literature cited by the submitters: PubMed 16199547; PubMed 20176027; PubMed 21120949.

NM_014639.4(SKIC3):c.3932-2A>T

Gene: SKIC3 (SKI3 subunit of superkiller complex; minus strand). Cytogenetic location: 5q15.
Variant type: single nucleotide variant.
Coding change: c.3932-2A>T on transcript NM_014639.4 (MANE Select); the canonical splice acceptor site of the intron before coding-DNA position 3932, A replaced by T.
Molecular consequence: splice acceptor variant.
Genome position (GRCh38, 1-based): chr5:95,484,847, T>A on the plus strand (A>T on the coding strand, the complement: SKIC3 is on the minus strand). VCF-style: chr5-95484847-T-A. GRCh37 (hg19) VCF-style: chr5-94820551-T-A.
Identifiers: ClinVar variation 2770435 (VCV002770435.3), dbSNP rs1017976239, ClinGen allele CA360445750.